The following is an entry in ClinVar:

NM_001377275.1(PER3):c.1437T>C (p.Ile479=)

Gene: PER3 (period circadian regulator 3; plus strand). Cytogenetic location: 1p36.23.
Variant type: single nucleotide variant.
Coding change: c.1437T>C on transcript NM_001377275.1 (MANE Select); coding-DNA position 1437, T replaced by C.
Protein change: p.Ile479=; no amino-acid change (isoleucine 479 retained).
Molecular consequence: synonymous variant.
Genome position (GRCh38, 1-based): chr1:7,810,503, T>C. VCF-style: chr1-7810503-T-C. GRCh37 (hg19) VCF-style: chr1-7870563-T-C.
Other names: c.1434T>C, p.Ile478= (NM_016831.4); c.1437T>C, p.Ile479= (NM_001289861.2, NM_001289862.2, NM_001289863.3 and 1 more transcripts); c.480T>C, p.Ile160= (NM_001289864.3).
Identifiers: ClinVar variation 2638143 (VCV002638143.24), dbSNP rs143456316, ClinGen allele CA568094.

ClinVar aggregate classification (germline): Likely benign (1 of 4 stars; one submission).

Allele frequency attached by ClinVar (database versions not stated): 1000 Genomes Project 30x 0.00016; 1000 Genomes Project 0.00020; ESP Exome Variant Server 0.00023; gnomAD 0.00034; TOPMed 0.00034.
gnomAD v4.1: 97 of 1,613,490 alleles (0.006%); highest among the groups gnomAD compares: African/African-American, 0.12%; no homozygotes.

Submission:

CeGaT Center for Human Genetics Tuebingen
Classification: Likely benign. Last evaluated: 2023-02-01. Review status: criteria provided, single submitter. Criteria: CeGaT Center For Human Genetics Tuebingen Variant Classification Criteria Version 2. Collection method: clinical testing. Allele origin: germline. Affected: yes. Observed: 1 variant allele.
Comment: PER3: BP4, BP7